The following is an entry in ClinVar:

ClinVar aggregate classification (germline): Conflicting classifications of pathogenicity. Review status: criteria provided, conflicting classifications (1 of 4 stars). 2 submissions from 2 submitters: Uncertain significance (1); Likely benign (1). Last evaluated 2025-07-17.

gnomAD v4.1: 25 of 1,596,494 alleles (0.0016%); highest among the groups gnomAD compares: Admixed American, 0.0073%; no homozygotes.

Submissions (2):

Labcorp Genetics (formerly Invitae), Labcorp
Classification: Likely benign. Last evaluated: 2025-07-17. Review status: criteria provided, single submitter. Criteria: Invitae Variant Classification Sherloc (09022015). Collection method: clinical testing. Allele origin: germline.

GeneDx
Classification: Uncertain significance. Last evaluated: 2024-05-30. Review status: criteria provided, single submitter. Criteria: GeneDx Variant Classification Process June 2021. Collection method: clinical testing. Allele origin: germline. Affected: yes.
Comment: Not observed at significant frequency in large population cohorts (gnomAD); Has not been previously published as pathogenic or benign to our knowledge; In silico analysis suggests this variant may impact gene splicing. In the absence of RNA/functional studies, the actual effect of this sequence change is unknown.

NM_001129.5(AEBP1):c.261G>A (p.Pro87=)

Gene: AEBP1 (AE binding protein 1; plus strand). Cytogenetic location: 7p13.
Variant type: single nucleotide variant.
Coding change: c.261G>A on transcript NM_001129.5 (MANE Select); coding-DNA position 261, G replaced by A.
Protein change: p.Pro87=; no amino-acid change (proline 87 retained).
Molecular consequence: synonymous variant.
Genome position (GRCh38, 1-based): chr7:44,106,553, G>A. VCF-style: chr7-44106553-G-A. GRCh37 (hg19) VCF-style: chr7-44146152-G-A.
Identifiers: ClinVar variation 3383791 (VCV003383791.3).